The following is an entry in ClinVar:

NM_004667.6(HERC2):c.12272T>C (p.Ile4091Thr)

Gene: HERC2 (HECT and RLD domain containing E3 ubiquitin protein ligase 2; minus strand). Cytogenetic location: 15q13.1.
Variant type: single nucleotide variant.
Coding change: c.12272T>C on transcript NM_004667.6 (MANE Select); coding-DNA position 12272, T replaced by C.
Protein change: p.Ile4091Thr; replaces isoleucine 4091 with threonine.
Molecular consequence: missense variant.
Genome position (GRCh38, 1-based): chr15:28,132,789, A>G on the plus strand (T>C on the coding strand, the complement: HERC2 is on the minus strand). VCF-style: chr15-28132789-A-G. GRCh37 (hg19) VCF-style: chr15-28377935-A-G.
Other names: short protein forms I4091T.
Identifiers: ClinVar variation 729332 (VCV000729332.5), dbSNP rs200047478, ClinGen allele CA7440354.

ClinVar aggregate classification (germline): Benign. Review status: criteria provided, multiple submitters, no conflicts (2 of 4 stars). 2 submissions from 2 submitters: Benign (2). Last evaluated 2026-08-19.

Conditions:
HERC2-related disorder. Also called: HERC2-related condition.

Allele frequency attached by ClinVar (database versions not stated): gnomAD 0.00007 and 0.00090; ESP Exome Variant Server 0.00008; TOPMed 0.00026; gnomAD exomes 0.00147 and 0.00298; ExAC 0.00356; 1000 Genomes Project 30x 0.00547; 1000 Genomes Project 0.00579.
gnomAD v4.1: 2,267 of 1,600,126 alleles (0.14%); highest among the groups gnomAD compares: South Asian, 2.4%; 45 homozygotes.

Submissions (2):

PreventionGenetics, part of Exact Sciences
Classification: Benign for HERC2-related condition. Last evaluated: 2026-08-19. Review status: criteria provided, single submitter. Criteria: ACMG Guidelines, 2015. Collection method: clinical testing. Allele origin: germline.
Comment: This variant is classified as benign based on ACMG/AMP sequence variant interpretation guidelines (Richards et al. 2015 PMID: 25741868, with internal and published modifications).

Labcorp Genetics (formerly Invitae), Labcorp
Classification: Benign. Last evaluated: 2019-12-31. Review status: criteria provided, single submitter. Criteria: Invitae Variant Classification Sherloc (09022015). Collection method: clinical testing. Allele origin: germline.